The following is an entry in ClinVar:

NM_014989.7(RIMS1):c.1439C>G (p.Ser480Trp)

Gene: RIMS1 (regulating synaptic membrane exocytosis 1; plus strand). Cytogenetic location: 6q13.
Variant type: single nucleotide variant.
Coding change: c.1439C>G on transcript NM_014989.7 (MANE Select); coding-DNA position 1439, C replaced by G.
Protein change: p.Ser480Trp; replaces serine 480 with tryptophan.
Molecular consequence: missense variant.
Genome position (GRCh38, 1-based): chr6:72,182,910, C>G. VCF-style: chr6-72182910-C-G. GRCh37 (hg19) VCF-style: chr6-72892613-C-G.
Other names: short protein forms S480W.
Identifiers: ClinVar variation 1481458 (VCV001481458.9), dbSNP rs777283802, ClinGen allele CA3885700.

ClinVar aggregate classification (germline): Conflicting classifications of pathogenicity. Review status: criteria provided, conflicting classifications (1 of 4 stars). 2 submissions from 2 submitters: Uncertain significance (1); Likely benign (1). Last evaluated 2025-03-17.

Allele frequency attached by ClinVar (database versions not stated): gnomAD 0.00001; gnomAD exomes 0.00003; ExAC 0.00004.
gnomAD v4.1: 12 of 1,577,768 alleles (0.00076%); no homozygotes.

Submissions (2):

Labcorp Genetics (formerly Invitae), Labcorp
Classification: Uncertain significance. Last evaluated: 2025-03-17. Review status: criteria provided, single submitter. Criteria: Invitae Variant Classification Sherloc (09022015). Collection method: clinical testing. Allele origin: germline.
Comment: This sequence change replaces serine, which is neutral and polar, with tryptophan, which is neutral and slightly polar, at codon 480 of the RIMS1 protein (p.Ser480Trp). This variant is present in population databases (rs777283802, gnomAD 0.06%). This variant has not been reported in the literature in individuals affected with RIMS1-related conditions. ClinVar contains an entry for this variant (Variation ID: 1481458). An algorithm developed to predict the effect of missense changes on protein structure and function (PolyPhen-2) suggests that this variant is likely to be disruptive. In summary, the available evidence is currently insufficient to determine the role of this variant in disease. Therefore, it has been classified as a Variant of Uncertain Significance.

Blueprint Genetics
Classification: Likely benign. Last evaluated: 2021-12-22. Review status: criteria provided, single submitter. Criteria: ACMG Guidelines, 2015. Collection method: clinical testing. Allele origin: germline.